The following is an entry in ClinVar:

NM_181078.3(IL21R):c.48A>G (p.Gly16=)

Gene: IL21R (interleukin 21 receptor; plus strand). Cytogenetic location: 16p12.1.
Variant type: single nucleotide variant.
Coding change: c.48A>G on transcript NM_181078.3 (MANE Select); coding-DNA position 48, A replaced by G.
Protein change: p.Gly16=; no amino-acid change (glycine 16 retained).
Molecular consequence: synonymous variant.
Genome position (GRCh38, 1-based): chr16:27,430,119, A>G. VCF-style: chr16-27430119-A-G. GRCh37 (hg19) VCF-style: chr16-27441440-A-G.
Other names: c.48A>G, p.Gly16= (NM_021798.4); c.114A>G, p.Gly38= (NM_181079.5).
Identifiers: ClinVar variation 1469696 (VCV001469696.6), dbSNP rs768921476, ClinGen allele CA494246512.

ClinVar aggregate classification (germline): Uncertain significance (1 of 4 stars; one submission).

Conditions:
Cryptosporidiosis-chronic cholangitis-liver disease syndrome. Also called: IL21R immunodeficiency; Immunodeficiency type 56. Identifiers: Orphanet 357329, MedGen C3554687, MONDO:0014082, OMIM 615207.

Submission:

Labcorp Genetics (formerly Invitae), Labcorp
Classification: Uncertain significance for Cryptosporidiosis-chronic cholangitis-liver disease syndrome. Last evaluated: 2021-10-21. Review status: criteria provided, single submitter. Criteria: Invitae Variant Classification Sherloc (09022015). Collection method: clinical testing. Allele origin: germline.
Comment: This variant has not been reported in the literature in individuals affected with IL21R-related conditions. In summary, the available evidence is currently insufficient to determine the role of this variant in disease. Therefore, it has been classified as a Variant of Uncertain Significance. Algorithms developed to predict the effect of sequence changes on RNA splicing suggest that this variant is not likely to affect RNA splicing. This variant is not present in population databases (ExAC no frequency). This sequence change affects codon 16 of the IL21R mRNA. It is a 'silent' change, meaning that it does not change the encoded amino acid sequence of the IL21R protein. It affects a nucleotide within the consensus splice site.